The following is an entry in ClinVar:

NM_001184880.2(PCDH19):c.785C>A (p.Ala262Asp)

Gene: PCDH19 (protocadherin 19; minus strand). Cytogenetic location: Xq22.1.
Variant type: single nucleotide variant.
Coding change: c.785C>A on transcript NM_001184880.2 (MANE Select); coding-DNA position 785, C replaced by A.
Protein change: p.Ala262Asp; replaces alanine 262 with aspartic acid.
Molecular consequence: missense variant.
Genome position (GRCh38, 1-based): chrX:100,407,813, G>T on the plus strand (C>A on the coding strand, the complement: PCDH19 is on the minus strand). VCF-style: chrX-100407813-G-T. GRCh37 (hg19) VCF-style: chrX-99662811-G-T.
Other names: c.785C>A, p.Ala262Asp (NM_020766.3, NM_001105243.2); short protein forms A262D.
Identifiers: ClinVar variation 546094 (VCV000546094.2), dbSNP rs1555985448, ClinGen allele CA414008134.

ClinVar aggregate classification (germline): Uncertain significance (1 of 4 stars; one submission).

Submission:

GeneDx
Classification: Uncertain significance. Last evaluated: 2018-05-04. Review status: criteria provided, single submitter. Criteria: GeneDx Variant Classification (06012015). Collection method: clinical testing. Allele origin: germline. Affected: yes.
Comment: The A262D variant is not observed in large population cohorts (Lek et al., 2016). The A262D variant is a non-conservative amino acid substitution, which is likely to impact secondary protein structure as these residues differ in polarity, charge, size and/or other properties. In-silico analyses, including protein predictors and evolutionary conservation, support a deleterious effect. We interpret A262D as a variant of uncertain significance